The following is an entry in ClinVar:

NM_016038.4(SBDS):c.258+1G>C

Gene: SBDS (SBDS ribosome maturation factor; minus strand). Cytogenetic location: 7q11.21.
Variant type: single nucleotide variant.
Coding change: c.258+1G>C on transcript NM_016038.4 (MANE Select); the canonical splice donor site of the intron after coding-DNA position 258, G replaced by C.
Molecular consequence: splice donor variant.
Genome position (GRCh38, 1-based): chr7:66,994,211, C>G on the plus strand (G>C on the coding strand, the complement: SBDS is on the minus strand). VCF-style: chr7-66994211-C-G. GRCh37 (hg19) VCF-style: chr7-66459198-C-G.
Identifiers: ClinVar variation 21538 (VCV000021538.20), dbSNP rs113993992, ClinGen allele CA342197.

ClinVar aggregate classification (germline): Pathogenic. Review status: criteria provided, multiple submitters, no conflicts (2 of 4 stars). 8 submissions from 8 submitters: Pathogenic (7). 1 of the submissions does not count toward it. Last evaluated 2025-02-07.

Conditions:
SBDS-related disorder. Also called: SBDS-related condition.
Shwachman-Diamond syndrome 1 (SDS1). Also called: LIPOMATOSIS OF PANCREAS, CONGENITAL. Identifiers: MedGen C4692625, MONDO:0044204, OMIM 260400.
Aplastic anemia. Identifiers: Orphanet 182040, Orphanet 88, MedGen C0002874, MONDO:0015909, OMIM 609135, HP:0001915.
Inborn genetic diseases. Identifiers: MedGen C0950123, MeSH D030342.

Allele frequency attached by ClinVar (database versions not stated): TOPMed 0.00002; gnomAD exomes below 0.00001; gnomAD 0.00002.

Submissions (8):

Broad Center for Mendelian Genomics, Broad Institute of MIT and Harvard
Classification: Pathogenic for Shwachman-Diamond syndrome 1. Last evaluated: 2025-02-07. Review status: criteria provided, single submitter. Criteria: ACMG Guidelines, 2015. Collection method: curation. Allele origin: germline. Inheritance: Autosomal recessive inheritance.
Comment: The c.258+1G>C variant in SBDS has been reported, in the compound heterozygous state, in at least 1 individual with Shwachman-Diamond syndrome (DOI:10.1016/j.rmedc.2009.02.001), and has been identified in 0.003% (2/74904) African/African American chromosomes by the Genome Aggregation Database (gnomAD; dbSNP rs113993992). Although this variant has been seen in the general population in a heterozygous state, its frequency is low enough to be consistent with a recessive carrier frequency. The presence of a known pseudogene, SBDSP1, can impact the reliability of allele frequencies. This variant has also been reported in ClinVar (Variation ID: 21538) and has been interpreted as pathogenic by multiple submitters. This variant is located in the 5' splice region. SpliceAI predictions indicate use of an out-of-frame cryptic splice site 8 bases from the intron-exon boundary, providing evidence that this variant may cause a frameshift and lead to a premature termination codon downstream. This alteration is then predicted to lead to a truncated or absent protein. However, this information is not predictive enough to determine pathogenicity. This variant is also within the same splice donor/acceptor, ¬±1,2 dinucleotide as a known pathogenic variant (Variant ID: 3196). Loss of function of the SBDS gene is an established disease mechanism in autosomal recessive Shwachman-Diamond syndrome. In summary, this variant meets criteria to be classified as pathogenic for autosomal recessive Shwachman-Diamond syndrome. ACMG/AMP criteria applied: PVS1, PM2_supporting, PM3_supporting, PS1_supporting (Richards 2015).

Blueprint Genetics
Classification: Pathogenic for SBDS-related disorders. Last evaluated: 2024-03-28. Review status: criteria provided, single submitter. Criteria: ACMG Guidelines, 2015. Collection method: clinical testing. Allele origin: germline. Affected: yes. Observed: 5 variant alleles.

Baylor Genetics
Classification: Pathogenic for Aplastic anemia. Last evaluated: 2024-03-13. Review status: criteria provided, single submitter. Criteria: ACMG Guidelines, 2015. Collection method: clinical testing. Allele origin: unknown.

Ambry Genetics
Classification: Pathogenic for Inborn genetic diseases. Last evaluated: 2023-09-21. Review status: criteria provided, single submitter. Criteria: Ambry Variant Classification Scheme 2023. Collection method: clinical testing. Allele origin: germline.
Comment: The c.258+1G>C intronic pathogenic mutation results from a G to C substitution one nucleotide after coding exon 2 of the SBDS gene. This mutation was first reported in two alleles from 158 unrelated families with at least one individual with Shwachman-Diamond syndrome (SDS) (Boocock GR et al. Nat. Genet., 2003 Jan;33:97-101). In another study, this mutation was identified in conjunction with the common c.258+2T>C pathogenic mutation in an individual suspected to have SDS; however, the phase of the alterations was not provided (Woloszynek JR et al. Blood, 2004 Dec;104:3588-90). In addition to the clinical data presented in the literature, alterations that disrupt the canonical splice site are expected to cause aberrant splicing, resulting in an abnormal protein or a transcript that is subject to nonsense-mediated mRNA decay. As such, this alteration is classified as a disease-causing mutation.

GeneDx
Classification: Pathogenic. Last evaluated: 2022-07-07. Review status: criteria provided, single submitter. Criteria: GeneDx Variant Classification Process June 2021. Collection method: clinical testing. Allele origin: germline. Affected: yes.
Comment: Canonical splice site variant in intron 2 of the SBDS gene, for which loss-of-function is a known mechanism of disease (Nelson & Meyers, 2018); Not observed at a significant frequency in large population cohorts (gnomAD); This variant is associated with the following publications: (PMID: 28971907, 23351992, 20301722, 12496757, 17916435, 24898207, 15284109)

Illumina Laboratory Services, Illumina
Classification: Pathogenic for Shwachman-Diamond syndrome. Last evaluated: 2016-06-14. Review status: criteria provided, single submitter. Criteria: ICSL Variant Classification 20161018. Collection method: clinical testing. Allele origin: germline.
Comment: The c.258+1G>C variant occurs in a canonical splice site (donor) and is therefore predicted to disrupt or distort the normal gene product. The c.258+1G>C variant has been reported in three studies and is found in a total of four patients with Shwachmann-Diamond syndrome in a compound heterozygous state (Boocock et al. 2003; Woloszynek et al. 2004; Hassan et al. 2009). The variant was absent from 148 controls and is not found in the 1000 Genomes Project, the Exome Sequencing Project, or the Exome Aggregation Consortium. The c.258+1G>C splice donor variant interrupts the intron 2 invariant splice donor site which results in the use of a cryptic splice donor site at cDNA position 251-252. The abnormally spliced mRNA results in a frameshift at amino acid position 84 with subsequent premature truncation of the protein after an additional three amino acids (Boocock et al. 2003; Woloszynek et al. 2004). A different variant at the c.258+2 position in the same intron 2 invariant splice donor site results in an identical frameshift and is one of the most common known pathogenic variants in the SBDS gene. Based on the collective evidence, the c.258+1G>C variant is classified as pathogenic for Shwachmann-Diamond syndrome.

Center for Genomics, Ann and Robert H. Lurie Children's Hospital of Chicago
Classification: Pathogenic for Aplastic anemia; Shwachman-Diamond syndrome 1. Review status: criteria provided, single submitter. Criteria: ACMG Guidelines, 2015. Collection method: clinical testing. Allele origin: germline.
Comment: SBDS NM_016038.3 exon 2 c.258+1G>C: This variant has been reported in the literature in at least 2 individuals (zygosity unclear) with Shwachman-Diamond Syndrome (Boocock 2003 PMID:12496757, Woloszynek 2004 PMID:15284109). This variant is present in 3/126700 European alleles in the Genome Aggregation Database. This variant is present in ClinVar (Variation ID:21538). Evolutionary conservation and computational predictive tools for this variant are limited or unavailable. Of note, this variant alters the consensus splice sequence (+/- 1,2) which is predicted to result in an absent or abnormal protein. Loss of function has been reported as a disease mechanism for this gene and disease (Woloszynek 2004 PMID:15284109). In summary, this variant is classified as pathogenic .

GeneReviews
No classification provided. Condition: Shwachman-Diamond syndrome 1. Review status: no classification provided. Collection method: literature only. Allele origin: germline. Not counted in ClinVar's aggregate classification.

Literature cited by the submitters: PubMed 12496757 (cited by Ambry Genetics and Illumina Laboratory Services, Illumina); PubMed 15284109 (cited by Ambry Genetics and Illumina Laboratory Services, Illumina); PubMed 24898207 (cited by Illumina Laboratory Services, Illumina); PubMed 17916435 (cited by Illumina Laboratory Services, Illumina); PubMed 23351992 (cited by Illumina Laboratory Services, Illumina).